The following is an entry in ClinVar:

NM_020859.4(SHROOM3):c.3525C>T (p.Ala1175=)

Genes: SHROOM3 (shroom family member 3; plus strand), SHROOM3-AS1 (SHROOM3 antisense RNA 1; minus strand). Cytogenetic location: 4q21.1.
Variant type: single nucleotide variant.
Coding change: c.3525C>T on transcript NM_020859.4 (MANE Select); coding-DNA position 3525, C replaced by T.
Protein change: p.Ala1175=; no amino-acid change (alanine 1175 retained).
Molecular consequence: synonymous variant.
Genome position (GRCh38, 1-based): chr4:76,741,698, C>T. VCF-style: chr4-76741698-C-T. GRCh37 (hg19) VCF-style: chr4-77662851-C-T.
Identifiers: ClinVar variation 3046035 (VCV003046035.2), dbSNP rs376437841, ClinGen allele CA2972797.

ClinVar aggregate classification (germline): Likely benign (0 of 4 stars; one submission).

Conditions:
SHROOM3-related disorder. Also called: SHROOM3-related condition.

Allele frequency attached by ClinVar (database versions not stated): gnomAD exomes 0.00007; ExAC 0.00016; ESP Exome Variant Server 0.00017; gnomAD 0.00068; 1000 Genomes Project 0.00080; TOPMed 0.00084; 1000 Genomes Project 30x 0.00125.
gnomAD v4.1: 194 of 1,551,966 alleles (0.013%); highest among the groups gnomAD compares: African/African-American, 0.23%; no homozygotes.

Submission:

PreventionGenetics, part of Exact Sciences
Classification: Likely benign for SHROOM3-related condition. Last evaluated: 2019-04-18. Review status: no assertion criteria provided. Collection method: clinical testing. Allele origin: germline.
Comment: This variant is classified as likely benign based on ACMG/AMP sequence variant interpretation guidelines (Richards et al. 2015 PMID: 25741868, with internal and published modifications).